The following is an entry in ClinVar:

ClinVar aggregate classification (germline): Uncertain significance (1 of 4 stars; one submission).

Submission:

GeneDx
Classification: Uncertain significance. Last evaluated: 2024-08-25. Review status: criteria provided, single submitter. Criteria: GeneDx Variant Classification Process June 2021. Collection method: clinical testing. Allele origin: germline. Affected: yes.
Comment: Not observed at significant frequency in large population cohorts (gnomAD); In silico analysis supports that this missense variant has a deleterious effect on protein structure/function; Has not been previously published as pathogenic or benign to our knowledge

NM_183381.3(RNF13):c.700G>C (p.Gly234Arg)

Gene: RNF13 (ring finger protein 13; plus strand). Cytogenetic location: 3q25.1.
Variant type: single nucleotide variant.
Coding change: c.700G>C on transcript NM_183381.3 (MANE Select); coding-DNA position 700, G replaced by C.
Protein change: p.Gly234Arg; replaces glycine 234 with arginine.
Molecular consequence: missense variant. On other transcripts: non-coding transcript variant (1).
Genome position (GRCh38, 1-based): chr3:149,921,227, G>C. VCF-style: chr3-149921227-G-C. GRCh37 (hg19) VCF-style: chr3-149639014-G-C.
Other names: c.700G>C, p.Gly234Arg (NM_001378285.1, NM_001378286.1, NM_007282.4); c.343G>C, p.Gly115Arg (NM_001378287.1, NM_001378288.1, NM_001378289.1 and 2 more transcripts); c.307G>C, p.Gly103Arg (NM_001378291.1); short protein forms G103R, G115R, G234R.
Identifiers: ClinVar variation 3766086 (VCV003766086.1).